The following is an entry in ClinVar:

ClinVar aggregate classification (germline): Uncertain significance (1 of 4 stars; one submission).

Conditions:
Familial adenomatous polyposis 1 (FAP1). Also called: FAMILIAL ADENOMATOUS POLYPOSIS 1, ATTENUATED; POLYPOSIS, ADENOMATOUS INTESTINAL. Identifiers: MedGen C2713442, MONDO:0021056, OMIM 175100. Disease mechanism: loss of function.

Allele frequency attached by ClinVar (database versions not stated): gnomAD exomes below 0.00001.

Submission:

Labcorp Genetics (formerly Invitae), Labcorp
Classification: Uncertain significance for Familial adenomatous polyposis 1. Last evaluated: 2025-11-03. Review status: criteria provided, single submitter. Criteria: Invitae Variant Classification Sherloc (09022015). Collection method: clinical testing. Allele origin: germline.
Comment: This variant occurs in a non-coding region of the APC gene. It does not change the encoded amino acid sequence of the APC protein. This variant is not present in population databases (gnomAD no frequency). This variant has not been reported in the literature in individuals affected with APC-related conditions. Experimental studies and prediction algorithms are not available or were not evaluated, and the functional significance of this variant is currently unknown. In summary, the available evidence is currently insufficient to determine the role of this variant in disease. Therefore, it has been classified as a Variant of Uncertain Significance.

NC_000005.10:g.112707439G>A

Gene: APC (APC regulator of Wnt signaling pathway; plus strand). Cytogenetic location: 5q22.2.
Variant type: single nucleotide variant.
Genome position: GRCh38 VCF-style: chr5-112707439-G-A. GRCh37 (hg19) VCF-style: chr5-112043136-G-A.
Identifiers: ClinVar variation 1034937 (VCV001034937.8), dbSNP rs1750561418, ClinGen allele CA1573442299.
Genomic context (GRCh38, chr5:112,707,439, plus strand): 5'-CTCACGGGACAGAACAGCGAAGCAGTGCCCGGCAAGCGGAGCGCAGCACCCATTGCGCCT[G>A]CGCATAACAGGCTCTAGTCTCCGGGCTGTGGGAAGCCAGCAACACCTCTCACGCATGCGC-3'